The following is an entry in ClinVar:

NM_172351.3(CD46):c.1013C>T (p.Ala338Val)

Gene: CD46 (CD46 molecule; plus strand). Cytogenetic location: 1q32.2.
Variant type: single nucleotide variant.
Coding change: c.1013C>T on transcript NM_172351.3 (MANE Select); coding-DNA position 1013, C replaced by T.
Protein change: p.Ala338Val; replaces alanine 338 with valine.
Molecular consequence: missense variant.
Genome position (GRCh38, 1-based): chr1:207,785,101, C>T. VCF-style: chr1-207785101-C-T. GRCh37 (hg19) VCF-style: chr1-207958446-C-T.
Other names: c.1058C>T, p.Ala353Val (NM_002389.4, NM_172359.3, LRG_155t1); c.1013C>T, p.Ala338Val (NM_153826.4, NM_172358.3); c.968C>T, p.Ala323Val (NM_172350.3, NM_172352.3, NM_172353.3); c.971C>T, p.Ala324Val (NM_172355.3, NM_172356.3); c.926C>T, p.Ala309Val (NM_172357.3, NM_172361.3); short protein forms A353V, A323V, A338V, A309V, A324V.
Identifiers: ClinVar variation 294975 (VCV000294975.54), dbSNP rs35366573, ClinGen allele CA1371869.

ClinVar aggregate classification (germline): Benign/Likely benign. Review status: criteria provided, multiple submitters, no conflicts (2 of 4 stars). 12 submissions from 12 submitters: Benign (7); Likely benign (3). 2 of the submissions do not count toward it. Last evaluated 2026-08-01.

Conditions:
Myofibrillar myopathy 6. Identifiers: Orphanet 199340, MedGen C2751831, MONDO:0013061, OMIM 612954.
Atypical hemolytic-uremic syndrome. Identifiers: Orphanet 2134, MedGen C2931788, MONDO:0016244.
Atypical hemolytic-uremic syndrome with MCP/CD46 anomaly. Also called: HEMOLYTIC UREMIC SYNDROME, ATYPICAL, SUSCEPTIBILITY TO, 2; AHUS, SUSCEPTIBILITY TO, 2. Identifiers: Orphanet 2134, MedGen C2752040, MONDO:0013040, OMIM 612922.

Allele frequency attached by ClinVar (database versions not stated): 1000 Genomes Project 30x 0.00359; 1000 Genomes Project 0.00399; TOPMed 0.01024; ESP Exome Variant Server 0.01246; gnomAD 0.01439 and 0.01505; gnomAD exomes 0.01508 and 0.01780; ExAC 0.01532.
gnomAD v4.1: 27,777 of 1,610,994 alleles (1.7%); highest among the groups gnomAD compares: Non-Finnish European, 1.9%; 392 homozygotes.

Submissions (12):

CeGaT Center for Human Genetics Tuebingen
Classification: Benign. Last evaluated: 2026-08-01. Review status: criteria provided, single submitter. Criteria: CeGaT Center For Human Genetics Tuebingen Variant Classification Criteria Version 2. Collection method: clinical testing. Allele origin: germline. Affected: yes. Observed: 11 variant alleles.
Comment: CD46: BP4, BS1, BS2

Labcorp Genetics (formerly Invitae), Labcorp
Classification: Benign. Last evaluated: 2026-02-03. Review status: criteria provided, single submitter. Criteria: Invitae Variant Classification Sherloc (09022015). Collection method: clinical testing. Allele origin: germline.

Women's Health and Genetics/Laboratory Corporation of America, LabCorp
Classification: Likely benign. Last evaluated: 2026-01-22. Review status: criteria provided, single submitter. Criteria: LabCorp Variant Classification Summary - May 2015. Collection method: clinical testing. Allele origin: germline.

Genomenon, Inc
Classification: Benign for Atypical hemolytic-uremic syndrome. Last evaluated: 2025-10-02. Review status: criteria provided, single submitter. Criteria: Genomenon Sequence Variant Interpretation Standards. Collection method: curation. Allele origin: germline. Affected: no.
Comment: CD46 p.Ala353Val (c.1058C>T) is a missense variant that changes the amino acid at residue 353 from Alanine to Valine. This variant is present at high allele frequency in population databases. In conclusion, we classify CD46 p.Ala353Val (c.1058C>T) as a benign variant.

Blueprint Genetics
Classification: Likely benign. Last evaluated: 2024-11-26. Review status: criteria provided, single submitter. Criteria: ACMG Guidelines, 2015. Collection method: clinical testing. Allele origin: germline.

Mendelics
Classification: Benign for Atypical hemolytic-uremic syndrome with MCP/CD46 anomaly. Last evaluated: 2024-04-24. Review status: criteria provided, single submitter. Criteria: Mendelics Assertion Criteria 2017. Collection method: clinical testing. Allele origin: unknown.

Mayo Clinic Laboratories, Mayo Clinic
Classification: Benign. Last evaluated: 2022-10-19. Review status: criteria provided, single submitter. Criteria: ACMG Guidelines, 2015. Collection method: clinical testing. Allele origin: germline. Observed: 86 variant alleles.
Comment: BA1, BP4

Genome Diagnostics Laboratory, The Hospital for Sick Children
Classification: Benign for Atypical hemolytic-uremic syndrome. Last evaluated: 2020-09-01. Review status: criteria provided, single submitter. Criteria: ACMG Guidelines, 2015. Collection method: clinical testing. Allele origin: germline.

Illumina Laboratory Services, Illumina
Classification: Benign for Atypical hemolytic-uremic syndrome with MCP/CD46 anomaly. Last evaluated: 2018-03-06. Review status: criteria provided, single submitter. Criteria: ICSL Variant Classification Criteria 13 December 2019. Collection method: clinical testing. Allele origin: germline.
Comment: This variant was observed in the ICSL laboratory as part of a predisposition screen in an ostensibly healthy population. It had not been previously curated by ICSL or reported in the Human Gene Mutation Database (HGMD: prior to June 1st, 2018), and was therefore a candidate for classification through an automated scoring system. Utilizing variant allele frequency, disease prevalence and penetrance estimates, and inheritance mode, an automated score was calculated to assess if this variant is too frequent to cause the disease. Based on the score and internal cut-off values, a variant classified as benign is not then subjected to further curation. The score for this variant resulted in a classification of benign for this disease.

Broad Center for Mendelian Genomics, Broad Institute of MIT and Harvard
Classification: Likely benign for Myofibrillar myopathy 6. Review status: criteria provided, single submitter. Criteria: ACMG Guidelines, 2015. Collection method: research. Allele origin: germline. Inheritance: Autosomal dominant inheritance. Affected: yes.
Comment: The heterozygous p.Ala353Val variant in CD46 has been identified in an individual with haemolytic uraemic syndrome and no known relatives with disease (PMID: 16621965), but has been identified in >6% of European (Finnish) chromosomes by ExAC. Please note that for diseases with clinical variability, or reduced penetrance, pathogenic variants may be present at a low frequency in the general population. In summary, although additional studies are required to fully establish its clinical significance, this variant meets criteria to be classified as likely benign for haemolytic uraemic syndrome.

Genome Diagnostics Laboratory, University Medical Center Utrecht
Classification: Benign. Review status: no assertion criteria provided. Collection method: clinical testing. Allele origin: germline. Affected: yes. Study: VKGL Data-share Consensus. Not counted in ClinVar's aggregate classification.

Joint Genome Diagnostic Labs from Nijmegen and Maastricht, Radboudumc and MUMC+
Classification: Benign. Review status: no assertion criteria provided. Collection method: clinical testing. Allele origin: germline. Affected: yes. Study: VKGL Data-share Consensus. Not counted in ClinVar's aggregate classification.

Literature cited by the submitters: PubMed 34004375 (cited by Genomenon, Inc).